The following is an entry in ClinVar:

NM_006648.4(WNK2):c.3203A>G (p.Gln1068Arg)

Gene: WNK2 (WNK lysine deficient protein kinase 2; plus strand). Cytogenetic location: 9q22.31.
Variant type: single nucleotide variant.
Coding change: c.3203A>G on transcript NM_006648.4 (MANE Select); coding-DNA position 3203, A replaced by G.
Protein change: p.Gln1068Arg; replaces glutamine 1068 with arginine.
Molecular consequence: missense variant.
Genome position (GRCh38, 1-based): chr9:93,261,950, A>G. VCF-style: chr9-93261950-A-G. GRCh37 (hg19) VCF-style: chr9-96024232-A-G.
Other names: c.3203A>G, p.Gln1068Arg (NM_001282394.3); short protein forms Q1068R.
Identifiers: ClinVar variation 3817181 (VCV003817181.1).

ClinVar aggregate classification (germline): Uncertain significance (1 of 4 stars; one submission).

gnomAD v4.1: 3 of 1,611,388 alleles (0.00019%); highest among the groups gnomAD compares: East Asian, 0.0067%; no homozygotes.

Submission:

Ambry Genetics
Classification: Uncertain significance. Last evaluated: 2025-02-28. Review status: criteria provided, single submitter. Criteria: Ambry Variant Classification Scheme 2023. Collection method: clinical testing. Allele origin: germline.
Comment: The p.Q1068R variant (also known as c.3203A>G), located in coding exon 12 of the WNK2 gene, results from an A to G substitution at nucleotide position 3203. The glutamine at codon 1068 is replaced by arginine, an amino acid with highly similar properties. This amino acid position is conserved. In addition, this alteration is predicted to be tolerated by in silico analysis. Based on the available evidence, the clinical significance of this variant remains unclear.